The following is an entry in ClinVar:

NM_000179.3(MSH6):c.88_98del (p.Glu30fs)

Gene: MSH6 (mutS homolog 6; plus strand). Cytogenetic location: 2p16.3.
Variant type: Deletion.
Coding change: c.88_98del on transcript NM_000179.3 (MANE Select); coding-DNA positions 88 to 98, 11 bases deleted (GAAGGCGGCCG).
Protein change: p.Glu30fs; shifts the reading frame from glutamic acid 30.
Molecular consequence: frameshift variant. On other transcripts: 5 prime UTR variant (1).
Genome position (GRCh38, 1-based): chr2:47,783,321-47,783,331, GAAGGCGGCCG deleted. VCF-style (leftmost placement, unchanged base first): chr2-47783320-CGAAGGCGGCCG-C. GRCh37 (hg19) VCF-style: chr2-48010459-CGAAGGCGGCCG-C.
Other names: c.88_98del, p.Glu30fs (NM_001281492.2); c.-649_-639del (NM_001281493.2); c.88_98delGAAGGCGGCCG, p.Glu30Cysfs (NM_001406795.1, NM_001406796.1, NM_001406798.1 and 8 more transcripts); c.-241_-231delGAAGGCGGCCG (NM_001406799.1); c.33_43delGAAGGCGGCCG, p.Lys12Alafs (NM_001406804.1); c.-841_-831delGAAGGCGGCCG (NM_001406807.1); c.-649_-639delGAAGGCGGCCG (NM_001406811.1); c.-496_-486delGAAGGCGGCCG (NM_001406812.1); and 3 more; short protein forms E30fs.
Identifiers: ClinVar variation 1764734 (VCV001764734.2), dbSNP rs2530316357, ClinGen allele CA2580066974.

ClinVar aggregate classification (germline): Pathogenic (1 of 4 stars; one submission).

Conditions:
Hereditary cancer-predisposing syndrome. Also called: Neoplastic Syndromes, Hereditary; Tumor predisposition; Hereditary Cancer Syndrome; Hereditary neoplastic syndrome. Identifiers: Orphanet 140162, MedGen C0027672, MeSH D009386, MONDO:0015356.

Submission:

Ambry Genetics
Classification: Pathogenic for Hereditary cancer-predisposing syndrome. Last evaluated: 2021-06-25. Review status: criteria provided, single submitter. Criteria: Ambry Variant Classification Scheme 2023. Collection method: clinical testing. Allele origin: germline.
Comment: The c.88_98del11 pathogenic mutation, located in coding exon 1 of the MSH6 gene, results from a deletion of 11 nucleotides at nucleotide positions 88 to 98, causing a translational frameshift with a predicted alternate stop codon (p.E30Cfs*56). This alteration is expected to result in loss of function by premature protein truncation or nonsense-mediated mRNA decay. As such, this alteration is interpreted as a disease-causing mutation.